The following is an entry in ClinVar:

NM_000785.4(CYP27B1):c.623G>T (p.Gly208Val)

Gene: CYP27B1 (cytochrome P450 family 27 subfamily B member 1; minus strand). Cytogenetic location: 12q14.1.
Variant type: single nucleotide variant.
Coding change: c.623G>T on transcript NM_000785.4 (MANE Select); coding-DNA position 623, G replaced by T.
Protein change: p.Gly208Val; replaces glycine 208 with valine.
Molecular consequence: missense variant.
Genome position (GRCh38, 1-based): chr12:57,765,178, C>A on the plus strand (G>T on the coding strand, the complement: CYP27B1 is on the minus strand). VCF-style: chr12-57765178-C-A. GRCh37 (hg19) VCF-style: chr12-58158961-C-A.
Other names: short protein forms G208V.
Identifiers: ClinVar variation 1339454 (VCV001339454.3), dbSNP rs2140397019, ClinGen allele CA385505528.
Genomic context (GRCh38, chr12:57,765,178, plus strand): 5'-ACCGAGCCCACAGCGCGGATGAAGGTCTCCGTGTCGGGTGGCACTTGAGCCTCCAGGCAG[C>A]CCAAGCGCGAGCCGAGCAGAACCGCGGCGATGCCTTGTCGGGAGGGGGCGCCGTCAGGGT-3'
Protein context (NP_000776.1, residues 198-218): IAAVLLGSRL[Gly208Val]CLEAQVPPDT

ClinVar aggregate classification (germline): Likely pathogenic (1 of 4 stars; one submission).

Conditions:
Vitamin D-dependent rickets, type 1 (VDD1). Also called: VITAMIN D DEPENDENCY, TYPE 1. Identifiers: Orphanet 289157, MedGen C0268689, MONDO:0009924.

Submission:

Laboratory of Cyto-molecular Genetics, Department of Anatomy, All India Institute of Medical Sciences (AIIMS), New Delhi
Classification: Likely pathogenic for Vitamin D-dependent rickets, type 1. Last evaluated: 2022-02-07. Review status: criteria provided, single submitter. Criteria: ACMG Guidelines, 2015. Collection method: clinical testing. Allele origin: germline. Affected: yes. Observed: 2 variant alleles.
Comment: p.(Gly208Val); missense variant

Literature cited by the submitters: PubMed 35738466.